The following is an entry in ClinVar:

NM_000038.6(APC):c.4244G>C (p.Ser1415Thr)

Gene: APC (APC regulator of Wnt signaling pathway; plus strand). Cytogenetic location: 5q22.2.
Variant type: single nucleotide variant.
Coding change: c.4244G>C on transcript NM_000038.6 (MANE Select); coding-DNA position 4244, G replaced by C.
Protein change: p.Ser1415Thr; replaces serine 1415 with threonine.
Molecular consequence: missense variant. On other transcripts: non-coding transcript variant (2).
Genome position (GRCh38, 1-based): chr5:112,839,838, G>C. VCF-style: chr5-112839838-G-C. GRCh37 (hg19) VCF-style: chr5-112175535-G-C.
Other names: c.4244G>C, p.Ser1415Thr (NM_001127510.3, NM_001354895.2, NM_001407450.1); c.4190G>C, p.Ser1397Thr (NM_001127511.3); c.4298G>C, p.Ser1433Thr (NM_001354896.2, NM_001407447.1, NM_001407448.1 and 1 more transcripts); c.4274G>C, p.Ser1425Thr (NM_001354897.2); c.4169G>C, p.Ser1390Thr (NM_001354898.2); c.4160G>C, p.Ser1387Thr (NM_001354899.2); c.4121G>C, p.Ser1374Thr (NM_001354900.2); c.4067G>C, p.Ser1356Thr (NM_001354901.2, NM_001407453.1); and 11 more; short protein forms S1031T, S1132T, S1255T, S1286T, S1289T, S1314T, S1324T, S1332T.
Identifiers: ClinVar variation 3230466 (VCV003230466.1), dbSNP rs2149909867, ClinGen allele CA16030630.

ClinVar aggregate classification (germline): Uncertain significance (1 of 4 stars; one submission).

Conditions:
Hereditary cancer-predisposing syndrome. Also called: Neoplastic Syndromes, Hereditary; Tumor predisposition; Hereditary neoplastic syndrome; Hereditary Cancer Syndrome. Identifiers: Orphanet 140162, MedGen C0027672, MeSH D009386, MONDO:0015356.

Submission:

Ambry Genetics
Classification: Uncertain significance for Hereditary cancer-predisposing syndrome. Last evaluated: 2024-03-06. Review status: criteria provided, single submitter. Criteria: Ambry Variant Classification Scheme 2023. Collection method: clinical testing. Allele origin: germline.
Comment: The p.S1415T variant (also known as c.4244G>C), located in coding exon 15 of the APC gene, results from a G to C substitution at nucleotide position 4244. The serine at codon 1415 is replaced by threonine, an amino acid with similar properties. This amino acid position is conserved. In addition, in silico predictors for this gene do not accurately predict pathogenicity. Based on the available evidence, the clinical significance of this alteration remains unclear.